The following is an entry in ClinVar:

ClinVar aggregate classification (germline): Conflicting classifications of pathogenicity. Review status: criteria provided, conflicting classifications (1 of 4 stars). 8 submissions from 8 submitters: Uncertain significance (5); Likely benign (3). Last evaluated 2026-09-01.

Conditions:
Inborn genetic diseases. Identifiers: MedGen C0950123, MeSH D030342.
IgE responsiveness, atopic. Also called: IMMUNOGLOBULIN E, BASIC LEVEL OF, IN SERUM. Identifiers: MedGen C1840253, MONDO:0007817, OMIM 147050.
Cryptosporidiosis-chronic cholangitis-liver disease syndrome. Also called: IL21R immunodeficiency; Immunodeficiency type 56. Identifiers: Orphanet 357329, MedGen C3554687, MONDO:0014082, OMIM 615207.

Allele frequency attached by ClinVar (database versions not stated): 1000 Genomes Project 30x 0.00156; 1000 Genomes Project 0.00160; gnomAD exomes 0.00231 and 0.00398; ExAC 0.00236; gnomAD 0.00266 and 0.00271; TOPMed 0.00300; ESP Exome Variant Server 0.00323.
gnomAD v4.1: 6,251 of 1,613,242 alleles (0.39%); highest among the groups gnomAD compares: Non-Finnish European, 0.48%; 9 homozygotes.

Submissions (8):

CeGaT Center for Human Genetics Tuebingen
Classification: Likely benign. Last evaluated: 2026-09-01. Review status: criteria provided, single submitter. Criteria: CeGaT Center For Human Genetics Tuebingen Variant Classification Criteria Version 2. Collection method: clinical testing. Allele origin: germline. Affected: yes. Observed: 5 variant alleles.
Comment: IL21R: BP4

Labcorp Genetics (formerly Invitae), Labcorp
Classification: Likely benign for Cryptosporidiosis-chronic cholangitis-liver disease syndrome. Last evaluated: 2026-02-02. Review status: criteria provided, single submitter. Criteria: Invitae Variant Classification Sherloc (09022015). Collection method: clinical testing. Allele origin: germline.

Blueprint Genetics
Classification: Likely benign. Last evaluated: 2024-11-20. Review status: criteria provided, single submitter. Criteria: ACMG Guidelines, 2015. Collection method: clinical testing. Allele origin: germline.

Department of Pathology and Laboratory Medicine, Sinai Health System
Classification: Uncertain significance for Cryptosporidiosis-chronic cholangitis-liver disease syndrome. Last evaluated: 2023-04-02. Review status: criteria provided, single submitter. Criteria: ACMG Guidelines, 2015. Collection method: research. Allele origin: germline.

Baylor Genetics
Classification: Uncertain significance for Cryptosporidiosis-chronic cholangitis-liver disease syndrome. Last evaluated: 2018-06-22. Review status: criteria provided, single submitter. Criteria: ACMG Guidelines, 2015. Collection method: clinical testing. Allele origin: paternal. Affected: yes.
Comment: This variant was determined to be of uncertain significance according to ACMG Guidelines, 2015 [PMID:25741868].

Eurofins Ntd Llc (ga)
Classification: Uncertain significance. Last evaluated: 2017-11-30. Review status: criteria provided, single submitter. Criteria: EGL Classification Definitions 2015. Collection method: clinical testing. Allele origin: germline. Observed: 1 variant allele, 1 heterozygote.

Ambry Genetics
Classification: Uncertain significance for Inborn genetic diseases. Last evaluated: 2014-06-06. Review status: criteria provided, single submitter. Criteria: Ambry exome assertion method (8-5-2015). Collection method: clinical testing. Allele origin: germline. Affected: yes. Observed: 1 variant allele.

Center for Genomics, Ann and Robert H. Lurie Children's Hospital of Chicago
Classification: Uncertain significance for IgE responsiveness, atopic; Cryptosporidiosis-chronic cholangitis-liver disease syndrome. Review status: criteria provided, single submitter. Criteria: ACMG Guidelines, 2015. Collection method: clinical testing. Allele origin: germline.
Comment: IL21R NM_021798.3 exon 9 p.Gly345Ser (c.1033G>A): This variant has been reported in the literature in at least 1 individual referred for an unspecified immune disorder (Hagman 2017 PMID:27513193). This variant is present in 0.3% (480/128220) of European alleles in the Genome Aggregation Database. This variant is present in ClinVar (Variation ID:225037). This variant amino acid Serine (Ser) is present in 4 species (Crab-eating macaque, Squirrel monkey, Bat, Microbat); this suggests that this variant may not impact the protein. Additional computational prediction tools do not suggest an impact. In summary, data on this variant is insufficient for disease classification. Therefore, the clinical significance of this variant is uncertain.

NM_181078.3(IL21R):c.1033G>A (p.Gly345Ser)

Genes: IL21R (interleukin 21 receptor; plus strand), IL21R-AS1 (IL21R antisense RNA 1; minus strand), LOC130058712 (ATAC-STARR-seq lymphoblastoid active region 10626; plus strand). Cytogenetic location: 16p12.1.
Variant type: single nucleotide variant.
Coding change: c.1033G>A on transcript NM_181078.3 (MANE Select); coding-DNA position 1033, G replaced by A.
Protein change: p.Gly345Ser; replaces glycine 345 with serine.
Molecular consequence: missense variant. On other transcripts: non-coding transcript variant (1).
Genome position (GRCh38, 1-based): chr16:27,448,699, G>A. VCF-style: chr16-27448699-G-A. GRCh37 (hg19) VCF-style: chr16-27460020-G-A.
Other names: c.1033G>A, p.Gly345Ser (NM_021798.4); c.1099G>A, p.Gly367Ser (NM_181079.5); short protein forms G367S, G345S.
Identifiers: ClinVar variation 225037 (VCV000225037.65), dbSNP rs56148525, ClinGen allele CA358127.